The following is an entry in ClinVar:

ClinVar aggregate classification (germline): Uncertain significance. Review status: criteria provided, multiple submitters, no conflicts (2 of 4 stars). 2 submissions from 2 submitters: Uncertain significance (2). Last evaluated 2026-08-17.

Conditions:
AIRE-related disorder. Also called: AIRE-related condition.
Polyglandular autoimmune syndrome, type 1 (APS1). Also called: AUTOIMMUNE POLYENDOCRINE SYNDROME, TYPE I, WITH OR WITHOUT REVERSIBLE METAPHYSEAL DYSPLASIA; APS I; HYPOADRENOCORTICISM WITH HYPOPARATHYROIDISM AND SUPERFICIAL MONILIASIS; Whitaker syndrome; PGA I; Autoimmune polyendocrinopathy syndrome , type I, with or without reversible metaphyseal dysplasia. Identifiers: Orphanet 3453, MedGen C0085859, MONDO:0009411, OMIM 240300.

Allele frequency attached by ClinVar (database versions not stated): ExAC 0.00001; TOPMed 0.00001; gnomAD 0.00002; gnomAD exomes 0.00003.
gnomAD v4.1: 43 of 1,612,338 alleles (0.0027%); highest among the groups gnomAD compares: Admixed American, 0.0033%; no homozygotes.

Submissions (2):

PreventionGenetics, part of Exact Sciences
Classification: Uncertain significance for AIRE-related condition. Last evaluated: 2026-08-17. Review status: criteria provided, single submitter. Criteria: ACMG Guidelines, 2015. Collection method: clinical testing. Allele origin: germline.
Comment: The AIRE c.907C>T variant is predicted to result in the amino acid substitution p.Arg303Trp. To our knowledge, this variant has not been reported in the literature. This variant is reported in 0.0050% of alleles in individuals of East Asian descent in gnomAD. An alternate missense change at the same amino acid position (p.Arg303Pro) has been reported in an individual with autoimmune polyendocrinopathy–candidiasis–ectodermal dystrophy (Stolarski et al. 2006. PubMed ID: 16965330). At this time, the clinical significance of the p.Arg303Trp variant is uncertain due to the absence of conclusive functional and genetic evidence.

Labcorp Genetics (formerly Invitae), Labcorp
Classification: Uncertain significance for Polyglandular autoimmune syndrome, type 1. Last evaluated: 2022-03-25. Review status: criteria provided, single submitter. Criteria: Invitae Variant Classification Sherloc (09022015). Collection method: clinical testing. Allele origin: germline.
Comment: This sequence change replaces arginine, which is basic and polar, with tryptophan, which is neutral and slightly polar, at codon 303 of the AIRE protein (p.Arg303Trp). This variant is present in population databases (rs778929451, gnomAD 0.004%). This variant has not been reported in the literature in individuals affected with AIRE-related conditions. Advanced modeling of protein sequence and biophysical properties (such as structural, functional, and spatial information, amino acid conservation, physicochemical variation, residue mobility, and thermodynamic stability) performed at Invitae indicates that this missense variant is expected to disrupt AIRE protein function. In summary, the available evidence is currently insufficient to determine the role of this variant in disease. Therefore, it has been classified as a Variant of Uncertain Significance.

NM_000383.4(AIRE):c.907C>T (p.Arg303Trp)

Gene: AIRE (autoimmune regulator; plus strand). Cytogenetic location: 21q22.3.
Variant type: single nucleotide variant.
Coding change: c.907C>T on transcript NM_000383.4 (MANE Select); coding-DNA position 907, C replaced by T.
Protein change: p.Arg303Trp; replaces arginine 303 with tryptophan.
Molecular consequence: missense variant.
Genome position (GRCh38, 1-based): chr21:44,291,122, C>T. VCF-style: chr21-44291122-C-T. GRCh37 (hg19) VCF-style: chr21-45711005-C-T.
Other names: c.907C>T (NM_000383.3); short protein forms R303W.
Identifiers: ClinVar variation 2147229 (VCV002147229.2), dbSNP rs778929451, ClinGen allele CA10051854.